The following is an entry in ClinVar:

ClinVar aggregate classification (germline): Likely pathogenic (1 of 4 stars; one submission).

Conditions:
Immunodeficiency 35 (IMD35). Also called: TYK2 DEFICIENCY; HIES WITH ATYPICAL MYCOBACTERIOSIS, AUTOSOMAL RECESSIVE; HYPER-IgE SYNDROME WITH ATYPICAL MYCOBACTERIOSIS, AUTOSOMAL RECESSIVE; Susceptibility to infection due to TYK2 deficiency. Identifiers: Orphanet 331226, MedGen C1969086, MONDO:0012682, OMIM 611521.

Submission:

MVZ Medizinische Genetik Mainz
Classification: Likely pathogenic for Immunodeficiency 35. Last evaluated: 2026-09-01. Review status: criteria provided, single submitter. Criteria: UK Practice Guidelines For Variant Classification V4 01 2020. Collection method: clinical testing. Allele origin: germline. Inheritance: Autosomal recessive inheritance. Affected: yes. Observed: 1 variant allele.
Comment: ACMG Criteria: PVS1,PM2_SUP

NM_003331.5(TYK2):c.3084_3085insCC (p.Val1029fs)

Gene: TYK2 (tyrosine kinase 2; minus strand). Cytogenetic location: 19p13.2.
Variant type: Insertion.
Coding change: c.3084_3085insCC on transcript NM_003331.5 (MANE Select); coding-DNA positions 3084 to 3085, CC inserted.
Protein change: p.Val1029fs; shifts the reading frame from valine 1029.
Molecular consequence: frameshift variant.
Genome position: GRCh38 VCF-style: chr19-10353041-C-CGG. GRCh37 (hg19) VCF-style: chr19-10463717-C-CGG.
Other names: c.3084_3085insCC, p.Val1029fs (NM_001385197.1, NM_001385198.1, NM_001406461.1); c.2898_2899insCC, p.Val967fs (NM_001385199.1); c.3081_3082insCC, p.Val1028fs (NM_001385200.1); c.2886_2887insCC, p.Val963fs (NM_001385201.1); c.3000_3001insCC, p.Val1001fs (NM_001385202.1); c.3165_3166insCC, p.Val1056fs (NM_001385203.1); c.3294_3295insCC, p.Val1099fs (NM_001385204.1); c.2994_2995insCC, p.Val999fs (NM_001385205.1); and 2 more; short protein forms V1001fs, V1023fs, V1028fs, V1029fs, V1056fs, V1099fs, V963fs, V967fs.
Identifiers: ClinVar variation 5038214 (VCV005038214.1).
Genomic context (GRCh38, chr19:10,353,041, plus strand): 5'-GCACGGCCTTGGCTAGGCCAAAGTCCCCGATCTTGACCAGCCTGTCGTTGTCCAGCAGCA[C>CGG]GTTGCGCGCGGCTAGGTCTCGGTGGATGTAGTGCTGCGCGTGCAGATAGGCCATGCCCTG-3'